The following is an entry in ClinVar:

NM_001134363.3(RBM20):c.3280C>G (p.Leu1094Val)

Gene: RBM20 (RNA binding motif protein 20; plus strand). Cytogenetic location: 10q25.2.
Variant type: single nucleotide variant.
Coding change: c.3280C>G on transcript NM_001134363.3 (MANE Select); coding-DNA position 3280, C replaced by G.
Protein change: p.Leu1094Val; replaces leucine 1094 with valine.
Molecular consequence: missense variant.
Genome position (GRCh38, 1-based): chr10:110,821,899, C>G. VCF-style: chr10-110821899-C-G. GRCh37 (hg19) VCF-style: chr10-112581657-C-G.
Other names: short protein forms L1094V.
Identifiers: ClinVar variation 2564172 (VCV002564172.2), dbSNP rs2493495703, ClinGen allele CA378382471.

ClinVar aggregate classification (germline): Uncertain significance (1 of 4 stars; one submission).

Conditions:
Cardiovascular phenotype. Identifiers: MedGen CN230736.

Submission:

Ambry Genetics
Classification: Uncertain significance for Cardiovascular phenotype. Last evaluated: 2023-03-24. Review status: criteria provided, single submitter. Criteria: Ambry Variant Classification Scheme 2023. Collection method: clinical testing. Allele origin: germline.
Comment: The p.L1094V variant (also known as c.3280C>G), located in coding exon 11 of the RBM20 gene, results from a C to G substitution at nucleotide position 3280. The leucine at codon 1094 is replaced by valine, an amino acid with highly similar properties. This amino acid position is conserved. In addition, this alteration is predicted to be tolerated by in silico analysis. Since supporting evidence is limited at this time, the clinical significance of this alteration remains unclear.